The following is an entry in ClinVar:

NM_182476.3(COQ6):c.454C>G (p.Leu152Val)

Genes: COQ6 (coenzyme Q6, monooxygenase; plus strand), ENTPD5 (ectonucleoside triphosphate diphosphohydrolase 5; minus strand). Cytogenetic location: 14q24.3.
Variant type: single nucleotide variant.
Coding change: c.454C>G on transcript NM_182476.3 (MANE Select); coding-DNA position 454, C replaced by G.
Protein change: p.Leu152Val; replaces leucine 152 with valine.
Molecular consequence: missense variant. On other transcripts: synonymous variant (2), intron variant (3).
Genome position (GRCh38, 1-based): chr14:73,955,901, C>G. VCF-style: chr14-73955901-C-G. GRCh37 (hg19) VCF-style: chr14-74422604-C-G.
Other names: c.454C>G, p.Leu152Val (NM_001425255.1, NM_001425256.1); c.289C>G, p.Leu97Val (NM_001425257.1); c.379C>G, p.Leu127Val (NM_001425258.1, NM_182480.3); c.229C>G, p.Leu77Val (NM_001425259.1, NM_001425260.1, NM_001425261.1); c.127C>G, p.Leu43Val (NM_001425263.1); c.45C>G, p.Leu15= (NM_001425264.1, NM_001425265.1); c.357+392C>G (NM_001425262.1); c.1201-314G>C (NM_001382258.1); and 1 more; short protein forms L152V, L127V.
Identifiers: ClinVar variation 2110559 (VCV002110559.4), dbSNP rs2503019221, ClinGen allele CA390374599.

ClinVar aggregate classification (germline): Uncertain significance (1 of 4 stars; one submission).

gnomAD v4.1: 3 of 1,614,116 alleles (0.00019%); highest among the groups gnomAD compares: Admixed American, 0.0033%; no homozygotes.

Submission:

Labcorp Genetics (formerly Invitae), Labcorp
Classification: Uncertain significance. Last evaluated: 2022-03-20. Review status: criteria provided, single submitter. Criteria: Invitae Variant Classification Sherloc (09022015). Collection method: clinical testing. Allele origin: germline.
Comment: This sequence change replaces leucine, which is neutral and non-polar, with valine, which is neutral and non-polar, at codon 152 of the COQ6 protein (p.Leu152Val). This variant is not present in population databases (gnomAD no frequency). This variant has not been reported in the literature in individuals affected with COQ6-related conditions. Algorithms developed to predict the effect of missense changes on protein structure and function (SIFT, PolyPhen-2, Align-GVGD) all suggest that this variant is likely to be tolerated. In summary, the available evidence is currently insufficient to determine the role of this variant in disease. Therefore, it has been classified as a Variant of Uncertain Significance.